The following is an entry in ClinVar:

NM_000245.4(MET):c.2426T>C (p.Leu809Pro)

Gene: MET (MET proto-oncogene, receptor tyrosine kinase; plus strand). Cytogenetic location: 7q31.2.
Variant type: single nucleotide variant.
Coding change: c.2426T>C on transcript NM_000245.4 (MANE Select); coding-DNA position 2426, T replaced by C.
Protein change: p.Leu809Pro; replaces leucine 809 with proline.
Molecular consequence: missense variant.
Genome position (GRCh38, 1-based): chr7:116,763,111, T>C. VCF-style: chr7-116763111-T-C. GRCh37 (hg19) VCF-style: chr7-116403165-T-C.
Other names: c.2480T>C, p.Leu827Pro (NM_001127500.3); c.2426T>C, p.Leu809Pro (NM_001324401.3); c.1136T>C, p.Leu379Pro (NM_001324402.2); short protein forms L379P, L809P, L827P.
Identifiers: ClinVar variation 1716715 (VCV001716715.5), dbSNP rs2116954838, ClinGen allele CA368983129.

ClinVar aggregate classification (germline): Uncertain significance (1 of 4 stars; one submission).

Conditions:
Renal cell carcinoma. Identifiers: Orphanet 217071, MedGen C0007134, MeSH D002292, MONDO:0005086, HP:0005584.

Submission:

Labcorp Genetics (formerly Invitae), Labcorp
Classification: Uncertain significance for Renal cell carcinoma. Last evaluated: 2022-08-19. Review status: criteria provided, single submitter. Criteria: Invitae Variant Classification Sherloc (09022015). Collection method: clinical testing. Allele origin: germline.
Comment: In summary, the available evidence is currently insufficient to determine the role of this variant in disease. Therefore, it has been classified as a Variant of Uncertain Significance. Algorithms developed to predict the effect of missense changes on protein structure and function are either unavailable or do not agree on the potential impact of this missense change (SIFT: "Deleterious"; PolyPhen-2: "Probably Damaging"; Align-GVGD: "Class C0"). This variant has not been reported in the literature in individuals affected with MET-related conditions. This variant is not present in population databases (gnomAD no frequency). This sequence change replaces leucine, which is neutral and non-polar, with proline, which is neutral and non-polar, at codon 827 of the MET protein (p.Leu827Pro).